The following is an entry in ClinVar:

NM_001042492.3(NF1):c.61-2A>C

Gene: NF1 (neurofibromin 1; plus strand). Cytogenetic location: 17q11.2.
Variant type: single nucleotide variant.
Coding change: c.61-2A>C on transcript NM_001042492.3 (MANE Select); the canonical splice acceptor site of the intron before coding-DNA position 61, A replaced by C.
Molecular consequence: splice acceptor variant.
Genome position (GRCh38, 1-based): chr17:31,155,981, A>C. VCF-style: chr17-31155981-A-C. GRCh37 (hg19) VCF-style: chr17-29482999-A-C.
Other names: c.61-2A>C (NM_000267.4, NM_001128147.3).
Identifiers: ClinVar variation 998047 (VCV000998047.5), dbSNP rs1131691100, ClinGen allele CA398987991.
Genomic context (GRCh38, chr17:31,155,981, plus strand): 5'-GTTATTTATGGTCGTTTTTAAGGATAAGCTGTTAACGTGTTTTTTTTTTCTTTTTTTTTC[A>C]GCTTCCAATAAAAACAGGACAGCAGAACACACATACCAAAGTCAGTACTGAGCACAACAA-3'

ClinVar aggregate classification (germline): Pathogenic. Review status: criteria provided, multiple submitters, no conflicts (2 of 4 stars). 4 submissions from 4 submitters: Pathogenic (3). 1 of the submissions does not count toward it. Last evaluated 2025-09-10.

Conditions:
Hereditary cancer-predisposing syndrome. Also called: Neoplastic Syndromes, Hereditary; Hereditary neoplastic syndrome; Hereditary Cancer Syndrome; Tumor predisposition. Identifiers: Orphanet 140162, MedGen C0027672, MeSH D009386, MONDO:0015356.
Cardiovascular phenotype. Identifiers: MedGen CN230736.
Neurofibromatosis, type 1 (NF1). Also called: Neurofibromatosis, type I; VON RECKLINGHAUSEN DISEASE; NEUROFIBROMATOSIS, TYPE I, SOMATIC; Peripheral type neurofibromatosis. Identifiers: Orphanet 636, MedGen C0027831, MONDO:0018975, OMIM 162200. Disease mechanism: loss of function.

Submissions (4):

Genomic Medicine Center of Excellence, King Faisal Specialist Hospital and Research Centre
Classification: Pathogenic for Neurofibromatosis, type 1. Last evaluated: 2025-09-10. Review status: criteria provided, single submitter. Criteria: ACMG Guidelines, 2015. Collection method: clinical testing. Allele origin: germline.

Ambry Genetics
Classification: Pathogenic for Cardiovascular phenotype; Hereditary cancer-predisposing syndrome. Last evaluated: 2025-08-15. Review status: criteria provided, single submitter. Criteria: Ambry Variant Classification Scheme 2023. Collection method: clinical testing. Allele origin: germline.
Comment: The c.61-2A>C intronic pathogenic mutation results from an A to C substitution two nucleotides upstream from coding exon 2 in the NF1 gene. In silico splice site analysis predicts that this alteration will weaken the native splice acceptor site and will result in the creation or strengthening of a novel splice acceptor site. The stop codon in the predicted resulting transcript occurs in the 5' end ofthe NF1 gene. As such, this alteration may escape nonsense-mediated mRNAdecay and/or be prone to rescue by reinitiation (Rivas et al. Science. 2015 May 8;348(6235):666-9; Lindeboom et al. Nat Genet. 2016 Oct;48(10):1112-8; Rhee et al. Sci Rep. 2017 May 10;7(1):1653). The exact functional effect of this alteration is unknown; however, a significant portion of the protein is affected (Ambry internal data). This variant was reported in individual(s) with features consistent with neurofibromatosis type 1 (Cal&igrave; F et al. Eur J Med Genet, 2017 Feb;60:93-99; Ambry internal data). Other variant(s) impacting the same acceptor site (c.61-2A>G) have been identified in individual(s) with features consistent with neurofibromatosis type 1 (external communication). This variant is considered to be rare based on population cohorts in the Genome Aggregation Database (gnomAD). This nucleotide position is highly conserved in available vertebrate species. Based on the supporting evidence, this variant is interpreted as a disease-causing mutation.

Labcorp Genetics (formerly Invitae), Labcorp
Classification: Pathogenic for Neurofibromatosis, type 1. Last evaluated: 2024-08-27. Review status: criteria provided, single submitter. Criteria: Invitae Variant Classification Sherloc (09022015). Collection method: clinical testing. Allele origin: germline.
Comment: This sequence change affects an acceptor splice site in intron 1 of the NF1 gene. It is expected to disrupt RNA splicing. Variants that disrupt the donor or acceptor splice site typically lead to a loss of protein function (PMID: 16199547), and loss-of-function variants in NF1 are known to be pathogenic (PMID: 10712197, 23913538). This variant is not present in population databases (gnomAD no frequency). Disruption of this splice site has been observed in individual(s) with neurofibromatosis type I (PMID: 27838393). ClinVar contains an entry for this variant (Variation ID: 998047). Algorithms developed to predict the effect of sequence changes on RNA splicing suggest that this variant may disrupt the consensus splice site. For these reasons, this variant has been classified as Pathogenic.

Beijing Key Laboratory for Genetic Research of Skeletal Deformity, Peking Union Medical College Hospital
Classification: Pathogenic for Neurofibromatosis, type 1. Last evaluated: 2019-05-31. Review status: no assertion criteria provided. Collection method: research. Allele origin: de novo. Affected: yes. Not counted in ClinVar's aggregate classification.

Literature cited by the submitters: PubMed 27838393 (cited by Ambry Genetics and Labcorp Genetics (formerly Invitae), Labcorp); PubMed 16199547 (cited by Labcorp Genetics (formerly Invitae), Labcorp); PubMed 10712197 (cited by Labcorp Genetics (formerly Invitae), Labcorp); PubMed 23913538 (cited by Labcorp Genetics (formerly Invitae), Labcorp).